The following is an entry in ClinVar:

ClinVar aggregate classification (germline): Likely pathogenic (1 of 4 stars; one submission).

Conditions:
Nemaline myopathy 2 (NEM2). Also called: Nemaline myopathy 2, autosomal recessive. Identifiers: MedGen C1850569, MONDO:0009725, OMIM 256030.

Submission:

Labcorp Genetics (formerly Invitae), Labcorp
Classification: Likely pathogenic for Nemaline myopathy 2. Last evaluated: 2022-07-19. Review status: criteria provided, single submitter. Criteria: Invitae Variant Classification Sherloc (09022015). Collection method: clinical testing. Allele origin: germline.
Comment: In summary, the currently available evidence indicates that the variant is pathogenic, but additional data are needed to prove that conclusively. Therefore, this variant has been classified as Likely Pathogenic. Algorithms developed to predict the effect of sequence changes on RNA splicing suggest that this variant may disrupt the consensus splice site. ClinVar contains an entry for this variant (Variation ID: 1476222). This variant has not been reported in the literature in individuals affected with NEB-related conditions. This variant is not present in population databases (gnomAD no frequency). This sequence change affects a donor splice site in intron 175 of the NEB gene. It is expected to disrupt RNA splicing. Variants that disrupt the donor or acceptor splice site typically lead to a loss of protein function (PMID: 16199547), and loss-of-function variants in NEB are known to be pathogenic (PMID: 25205138).

Literature cited by the submitters: PubMed 16199547; PubMed 25205138.

NM_001164508.2(NEB):c.24579+1G>T

Genes: NEB (nebulin; minus strand), RIF1 (replication timing regulatory factor 1; plus strand). Cytogenetic location: 2q23.3.
Variant type: single nucleotide variant.
Coding change: c.24579+1G>T on transcript NM_001164508.2 (MANE Select); the canonical splice donor site of the intron after coding-DNA position 24579, G replaced by T.
Molecular consequence: splice donor variant.
Genome position (GRCh38, 1-based): chr2:151,494,160, C>A on the plus strand (G>T on the coding strand, the complement: NEB is on the minus strand). VCF-style: chr2-151494160-C-A. GRCh37 (hg19) VCF-style: chr2-152350674-C-A.
Other names: c.19011+1G>T (NM_004543.5); c.24579+1G>T (NM_001164507.2); c.24684+1G>T (NM_001271208.2).
Identifiers: ClinVar variation 1476222 (VCV001476222.8), dbSNP rs2058584112, ClinGen allele CA348776579.
Genomic context (GRCh38, chr2:151,494,160, plus strand): 5'-AGGCCAAACTGCAAGAGTTATTTTGCAAAATTAAAAGCACTTTTGTTTCTCAAGACAATA[C>A]CGAGCTAATGTTTTCTTGATTGCGTTTGACTCTCTGCATCTCAGGAGTGACAGGGGTTGC-3'